The following is an entry in ClinVar:

ClinVar aggregate classification (germline): Benign/Likely benign. Review status: criteria provided, multiple submitters, no conflicts (2 of 4 stars). 4 submissions from 4 submitters: Benign (3); Likely benign (1). Last evaluated 2026-02-04.

Allele frequency attached by ClinVar (database versions not stated): gnomAD exomes 0.00138 and 0.00347; ExAC 0.00417; 1000 Genomes Project 0.01278; gnomAD 0.01305 and 0.01406; 1000 Genomes Project 30x 0.01437; TOPMed 0.01488; ESP Exome Variant Server 0.01676.
gnomAD v4.1: 4,063 of 1,614,020 alleles (0.25%); highest among the groups gnomAD compares: African/African-American, 4.8%; 96 homozygotes.

Submissions (6):

Labcorp Genetics (formerly Invitae), Labcorp
Classification: Benign. Last evaluated: 2026-02-04. Review status: criteria provided, single submitter. Criteria: Invitae Variant Classification Sherloc (09022015). Collection method: clinical testing. Allele origin: germline.

Women's Health and Genetics/Laboratory Corporation of America, LabCorp
Classification: Likely benign. Last evaluated: 2026-01-22. Review status: criteria provided, single submitter. Criteria: LabCorp Variant Classification Summary - May 2015. Collection method: clinical testing. Allele origin: germline.

Mayo Clinic Laboratories, Mayo Clinic
Classification: Benign. Last evaluated: 2025-10-17. Review status: criteria provided, single submitter. Criteria: ACMG Guidelines, 2015. Collection method: clinical testing. Allele origin: germline. Observed: 1 variant allele.
Comment: BS1, BS2

Breakthrough Genomics
Classification: Benign. Review status: criteria provided, single submitter. Criteria: ACMG Guidelines, 2015. Collection method: not provided. Allele origin: germline. Inheritance: Autosomal recessive inheritance. Affected: yes.

Dr. Peter K. Rogan Lab, Western University
No classification provided (evidence only). Condition: Hepatocellular carcinoma. Review status: no classification provided. Collection method: in vitro. Allele origin: not applicable. Functional consequence: retained intron. Not counted in ClinVar's aggregate classification.

Dr. Peter K. Rogan Lab, Western University
No classification provided (evidence only). Condition: Gastric cancer. Review status: no classification provided. Collection method: in vitro. Allele origin: not applicable. Functional consequence: retained intron. Not counted in ClinVar's aggregate classification.

NM_000562.3(C8A):c.1220C>T (p.Thr407Ile)

Gene: C8A (complement C8 alpha chain; plus strand). Cytogenetic location: 1p32.2.
Variant type: single nucleotide variant.
Coding change: c.1220C>T on transcript NM_000562.3 (MANE Select); coding-DNA position 1220, C replaced by T.
Protein change: p.Thr407Ile; replaces threonine 407 with isoleucine.
Molecular consequence: missense variant.
Genome position (GRCh38, 1-based): chr1:56,906,790, C>T. VCF-style: chr1-56906790-C-T. GRCh37 (hg19) VCF-style: chr1-57372463-C-T.
Other names: p.Thr407Ile; short protein forms T407I.
Identifiers: ClinVar variation 771115 (VCV000771115.15), dbSNP rs706479, ClinGen allele CA875284.
Genomic context (GRCh38, chr1:56,906,790, plus strand): 5'-AAATAAATGTTGGTGGAGGTTTATCAGGAGACCATTGTAAAAAATTTGGAGGTGGCAAAA[C>T]TGGCAAGTGTTTAGTAATAGATCTCCCAAAAAGAGAAGCCAGGCTTTCCTTTGGACACAC-3'
Protein context (NP_000553.1, residues 397-417): DHCKKFGGGK[Thr407Ile]ERARKAMAVE